The following is an entry in ClinVar:

NM_004663.5(RAB11A):c.331G>A (p.Asp111Asn)

Gene: RAB11A (RAB11A, member RAS oncogene family; plus strand). Cytogenetic location: 15q22.31.
Variant type: single nucleotide variant.
Coding change: c.331G>A on transcript NM_004663.5 (MANE Select); coding-DNA position 331, G replaced by A.
Protein change: p.Asp111Asn; replaces aspartic acid 111 with asparagine.
Molecular consequence: missense variant.
Genome position (GRCh38, 1-based): chr15:65,877,856, G>A. VCF-style: chr15-65877856-G-A. GRCh37 (hg19) VCF-style: chr15-66170194-G-A.
Other names: c.331G>A, p.Asp111Asn (NM_001206836.2); short protein forms D111N.
Identifiers: ClinVar variation 2600318 (VCV002600318.3), dbSNP rs1434404164, ClinGen allele CA392921661.

ClinVar aggregate classification (germline): Uncertain significance. Review status: criteria provided, multiple submitters, no conflicts (2 of 4 stars). 2 submissions from 2 submitters: Uncertain significance (2). Last evaluated 2025-07-15.

Allele frequency attached by ClinVar (database versions not stated): gnomAD exomes below 0.00001; TOPMed below 0.00001.
gnomAD v4.1: 6 of 1,612,202 alleles (0.00037%); highest among the groups gnomAD compares: Non-Finnish European, 0.00051%; no homozygotes.

Submissions (2):

Labcorp Genetics (formerly Invitae), Labcorp
Classification: Uncertain significance. Last evaluated: 2025-07-15. Review status: criteria provided, single submitter. Criteria: Invitae Variant Classification Sherloc (09022015). Collection method: clinical testing. Allele origin: germline.
Comment: This sequence change replaces aspartic acid, which is acidic and polar, with asparagine, which is neutral and polar, at codon 111 of the RAB11A protein (p.Asp111Asn). This variant is present in population databases (no rsID available, gnomAD 0.0009%). This variant has not been reported in the literature in individuals affected with RAB11A-related conditions. ClinVar contains an entry for this variant (Variation ID: 2600318). An algorithm developed to predict the effect of missense changes on protein structure and function (PolyPhen-2) suggests that this variant is likely to be tolerated. In summary, the available evidence is currently insufficient to determine the role of this variant in disease. Therefore, it has been classified as a Variant of Uncertain Significance.

Ambry Genetics
Classification: Uncertain significance. Last evaluated: 2023-08-20. Review status: criteria provided, single submitter. Criteria: Ambry Variant Classification Scheme 2023. Collection method: clinical testing. Allele origin: germline.